The following is an entry in ClinVar:

NM_000458.4(HNF1B):c.68A>G (p.Lys23Arg)

Gene: HNF1B (HNF1 homeobox B; minus strand). Cytogenetic location: 17q12.
Variant type: single nucleotide variant.
Coding change: c.68A>G on transcript NM_000458.4 (MANE Select); coding-DNA position 68, A replaced by G.
Protein change: p.Lys23Arg; replaces lysine 23 with arginine.
Molecular consequence: missense variant.
Genome position (GRCh38, 1-based): chr17:37,744,817, T>C on the plus strand (A>G on the coding strand, the complement: HNF1B is on the minus strand). VCF-style: chr17-37744817-T-C. GRCh37 (hg19) VCF-style: chr17-36104808-T-C.
Other names: c.68A>G (NM_000458.2); c.68A>G, p.Lys23Arg (NM_001165923.4, NM_001304286.2, NM_001411100.1); short protein forms K23R.
Identifiers: ClinVar variation 2778698 (VCV002778698.5), dbSNP rs2511853122, ClinGen allele CA398754786.

ClinVar aggregate classification (germline): Uncertain significance. Review status: criteria provided, multiple submitters, no conflicts (2 of 4 stars). 3 submissions from 3 submitters: Uncertain significance (3). Last evaluated 2024-06-08.

Conditions:
Nonpapillary renal cell carcinoma. Identifiers: Orphanet 422526, MedGen CN074294, MONDO:0007763, OMIM 144700.
Type 2 diabetes mellitus. Also called: Type II diabetes mellitus. Identifiers: MedGen C0011860, MeSH D003924, MONDO:0005148, OMIM 125853, HP:0005978.
Renal cysts and diabetes syndrome (RCAD). Also called: Familial hypoplastic, glomerulocystic kidney; MATURITY-ONSET DIABETES OF THE YOUNG, TYPE 5. Identifiers: Orphanet 93111, MedGen C0431693, MONDO:0007669, OMIM 137920.

Submissions (3):

Fulgent Genetics
Classification: Uncertain significance for Type 2 diabetes mellitus; Renal cysts and diabetes syndrome; Nonpapillary renal cell carcinoma. Last evaluated: 2024-06-08. Review status: criteria provided, single submitter. Criteria: ACMG Guidelines, 2015. Collection method: clinical testing. Allele origin: germline.

Labcorp Genetics (formerly Invitae), Labcorp
Classification: Uncertain significance. Last evaluated: 2023-08-07. Review status: criteria provided, single submitter. Criteria: Invitae Variant Classification Sherloc (09022015). Collection method: clinical testing. Allele origin: germline.
Comment: In summary, the available evidence is currently insufficient to determine the role of this variant in disease. Therefore, it has been classified as a Variant of Uncertain Significance. This sequence change replaces lysine, which is basic and polar, with arginine, which is basic and polar, at codon 23 of the HNF1B protein (p.Lys23Arg). This variant is not present in population databases (gnomAD no frequency). This variant has not been reported in the literature in individuals affected with HNF1B-related conditions. Advanced modeling of protein sequence and biophysical properties (such as structural, functional, and spatial information, amino acid conservation, physicochemical variation, residue mobility, and thermodynamic stability) performed at Invitae indicates that this missense variant is not expected to disrupt HNF1B protein function.

GeneDx
Classification: Uncertain significance. Last evaluated: 2023-04-13. Review status: criteria provided, single submitter. Criteria: GeneDx Variant Classification Process June 2021. Collection method: clinical testing. Allele origin: germline. Affected: yes.
Comment: Not observed at significant frequency in large population cohorts (gnomAD); In silico analysis supports that this missense variant has a deleterious effect on protein structure/function; Has not been previously published as pathogenic or benign to our knowledge